The following is an entry in ClinVar:

ClinVar aggregate classification (germline): Uncertain significance. Review status: criteria provided, multiple submitters, no conflicts (2 of 4 stars). 2 submissions from 2 submitters: Uncertain significance (2). Last evaluated 2023-07-20.

Allele frequency attached by ClinVar (database versions not stated): gnomAD exomes 0.00002 and 0.00005; ExAC 0.00006; gnomAD 0.00013 and 0.00014; TOPMed 0.00014; ESP Exome Variant Server 0.00015.
gnomAD v4.1: 50 of 1,613,956 alleles (0.0031%); highest among the groups gnomAD compares: African/African-American, 0.052%; no homozygotes.

Submissions (2):

GeneDx
Classification: Uncertain significance. Last evaluated: 2023-07-20. Review status: criteria provided, single submitter. Criteria: GeneDx Variant Classification Process June 2021. Collection method: clinical testing. Allele origin: germline. Affected: yes.
Comment: In silico analysis supports that this missense variant has a deleterious effect on protein structure/function; Observed in an individual with head and neck carcinoma (Cury et al., 2021); This variant is associated with the following publications: (PMID: 27085493, 34598035)

Labcorp Genetics (formerly Invitae), Labcorp
Classification: Uncertain significance. Last evaluated: 2022-08-19. Review status: criteria provided, single submitter. Criteria: Invitae Variant Classification Sherloc (09022015). Collection method: clinical testing. Allele origin: germline.
Comment: This sequence change replaces leucine, which is neutral and non-polar, with arginine, which is basic and polar, at codon 152 of the ERCC2 protein (p.Leu152Arg). This variant is present in population databases (rs367883716, gnomAD 0.08%). This variant has not been reported in the literature in individuals affected with ERCC2-related conditions. ClinVar contains an entry for this variant (Variation ID: 1450815). Algorithms developed to predict the effect of missense changes on protein structure and function are either unavailable or do not agree on the potential impact of this missense change (SIFT: "Deleterious"; PolyPhen-2: "Benign"; Align-GVGD: "Class C0"). In summary, the available evidence is currently insufficient to determine the role of this variant in disease. Therefore, it has been classified as a Variant of Uncertain Significance.

NM_000400.4(ERCC2):c.455T>G (p.Leu152Arg)

Gene: ERCC2 (ERCC excision repair 2, TFIIH core complex helicase subunit; minus strand). Cytogenetic location: 19q13.32.
Variant type: single nucleotide variant.
Coding change: c.455T>G on transcript NM_000400.4 (MANE Select); coding-DNA position 455, T replaced by G.
Protein change: p.Leu152Arg; replaces leucine 152 with arginine.
Molecular consequence: missense variant.
Genome position (GRCh38, 1-based): chr19:45,365,064, A>C on the plus strand (T>G on the coding strand, the complement: ERCC2 is on the minus strand). VCF-style: chr19-45365064-A-C. GRCh37 (hg19) VCF-style: chr19-45868322-A-C.
Other names: c.383T>G, p.Leu128Arg (NM_001130867.2); c.455T>G (NM_000400.3); short protein forms L128R, L152R.
Identifiers: ClinVar variation 1450815 (VCV001450815.6), dbSNP rs367883716, ClinGen allele CA9513785.
Genomic context (GRCh38, chr19:45,365,064, plus strand): 5'-TGTCCTGCCTCCCTCCCTCAGCCCTGCCCTCCAGTAACCTCATAGAATCGGCAGTGGGGC[A>C]GGCTGGTGTCATGCTGGTACTGCGCCCGCACATAGGAGGCTGTGAGGCTGTGGCATTTCC-3'
Protein context (NP_000391.1, residues 142-162): VRAQYQHDTS[Leu152Arg]PHCRFYEEFD